The following is an entry in ClinVar:

ClinVar aggregate classification (germline): Uncertain significance. Review status: criteria provided, multiple submitters, no conflicts (2 of 4 stars). 3 submissions from 3 submitters: Uncertain significance (3). Last evaluated 2026-04-07.

Conditions:
Inborn genetic diseases. Identifiers: MedGen C0950123, MeSH D030342.

Allele frequency attached by ClinVar (database versions not stated): 1000 Genomes Project 30x 0.00016; 1000 Genomes Project 0.00020; ESP Exome Variant Server 0.00023.
gnomAD v4.1: 51 of 1,610,046 alleles (0.0032%); highest among the groups gnomAD compares: African/African-American, 0.061%; no homozygotes.

Submissions (3):

Women's Health and Genetics/Laboratory Corporation of America, LabCorp
Classification: Uncertain significance. Last evaluated: 2026-04-07. Review status: criteria provided, single submitter. Criteria: LabCorp Variant Classification Summary - May 2015. Collection method: clinical testing. Allele origin: germline.
Comment: Variant summary: OBSL1 c.1261G>C (p.Val421Leu) results in a conservative amino acid change in the encoded protein sequence. Algorithms developed to predict the effect of missense changes on protein structure and function are either unavailable or do not agree on the potential impact of this missense change. The variant allele was found at a frequency of 4.4e-05 in 247218 control chromosomes. This frequency is not significantly higher than estimated for disease-causing variants in OBSL1, allowing no conclusion about variant significance. To our knowledge, no occurrence of c.1261G>C in individuals affected with OBSL1-related conditions and no experimental evidence demonstrating its impact on protein function have been reported. ClinVar contains an entry for this variant (Variation ID: 1389079). Based on the evidence outlined above, the variant was classified as uncertain significance.

Ambry Genetics
Classification: Uncertain significance for Inborn genetic diseases. Last evaluated: 2024-04-06. Review status: criteria provided, single submitter. Criteria: Ambry Variant Classification Scheme 2023. Collection method: clinical testing. Allele origin: germline.

Labcorp Genetics (formerly Invitae), Labcorp
Classification: Uncertain significance. Last evaluated: 2022-01-15. Review status: criteria provided, single submitter. Criteria: Invitae Variant Classification Sherloc (09022015). Collection method: clinical testing. Allele origin: germline.
Comment: This sequence change replaces valine, which is neutral and non-polar, with leucine, which is neutral and non-polar, at codon 421 of the OBSL1 protein (p.Val421Leu). This variant is present in population databases (rs371966827, gnomAD 0.07%). This variant has not been reported in the literature in individuals affected with OBSL1-related conditions. Algorithms developed to predict the effect of missense changes on protein structure and function are either unavailable or do not agree on the potential impact of this missense change (SIFT: "Tolerated"; PolyPhen-2: "Probably Damaging"; Align-GVGD: "Class C0"). In summary, the available evidence is currently insufficient to determine the role of this variant in disease. Therefore, it has been classified as a Variant of Uncertain Significance.

NM_015311.3(OBSL1):c.1261G>C (p.Val421Leu)

Gene: OBSL1 (obscurin like cytoskeletal adaptor 1; minus strand). Cytogenetic location: 2q35.
Variant type: single nucleotide variant.
Coding change: c.1261G>C on transcript NM_015311.3 (MANE Select); coding-DNA position 1261, G replaced by C.
Protein change: p.Val421Leu; replaces valine 421 with leucine.
Molecular consequence: missense variant.
Genome position (GRCh38, 1-based): chr2:219,568,076, C>G on the plus strand (G>C on the coding strand, the complement: OBSL1 is on the minus strand). VCF-style: chr2-219568076-C-G. GRCh37 (hg19) VCF-style: chr2-220432798-C-G.
Other names: c.1261G>C, p.Val421Leu (NM_001173408.2, NM_001173431.2); c.1261G>C (NM_015311.2); short protein forms V421L.
Identifiers: ClinVar variation 1389079 (VCV001389079.7), dbSNP rs371966827, ClinGen allele CA2131592.